The following is an entry in ClinVar:

ClinVar aggregate classification (germline): Likely benign (1 of 4 stars; one submission).

Conditions:
TBX3-related disorder. Also called: TBX3-related condition.

Submission:

PreventionGenetics, part of Exact Sciences
Classification: Likely benign for TBX3-related condition. Last evaluated: 2026-03-27. Review status: criteria provided, single submitter. Criteria: ACMG Guidelines, 2015. Collection method: clinical testing. Allele origin: germline.
Comment: This variant is classified as likely benign based on ACMG/AMP sequence variant interpretation guidelines (Richards et al. 2015 PMID: 25741868, with internal and published modifications).

NM_005996.4(TBX3):c.1248C>T (p.Arg416=)

Gene: TBX3 (T-box transcription factor 3; minus strand). Cytogenetic location: 12q24.21.
Variant type: single nucleotide variant.
Coding change: c.1248C>T on transcript NM_005996.4 (MANE Select); coding-DNA position 1248, C replaced by T.
Protein change: p.Arg416=; no amino-acid change (arginine 416 retained).
Molecular consequence: synonymous variant.
Genome position (GRCh38, 1-based): chr12:114,674,627, G>A on the plus strand (C>T on the coding strand, the complement: TBX3 is on the minus strand). VCF-style: chr12-114674627-G-A. GRCh37 (hg19) VCF-style: chr12-115112432-G-A.
Other names: c.1308C>T, p.Arg436= (NM_016569.4).
Identifiers: ClinVar variation 4993439 (VCV004993439.1).